The following is an entry in ClinVar:

NM_001127222.2(CACNA1A):c.3399T>G (p.Asn1133Lys)

Gene: CACNA1A (calcium voltage-gated channel subunit alpha1 A; minus strand). Cytogenetic location: 19p13.13.
Variant type: single nucleotide variant.
Coding change: c.3399T>G on transcript NM_001127222.2 (MANE Select); coding-DNA position 3399, T replaced by G.
Protein change: p.Asn1133Lys; replaces asparagine 1133 with lysine.
Molecular consequence: missense variant.
Genome position (GRCh38, 1-based): chr19:13,286,657, A>C on the plus strand (T>G on the coding strand, the complement: CACNA1A is on the minus strand). VCF-style: chr19-13286657-A-C. GRCh37 (hg19) VCF-style: chr19-13397471-A-C.
Other names: c.3411T>G, p.Asn1137Lys (NM_000068.4, NM_023035.3); c.3402T>G, p.Asn1134Lys (NM_001127221.2, NM_001174080.2); short protein forms N1133K, N1134K, N1137K.
Identifiers: ClinVar variation 2497777 (VCV002497777.1), dbSNP rs2512856716, ClinGen allele CA404341446.
Genomic context (GRCh38, chr19:13,286,657, plus strand): 5'-CTGGGTGCCGCTGGGGTTGGTGACGATAAGGCTATTCTCGGGGGTCTTGGGGGGGCCGGG[A>C]TTGGATGGGTTCCCCGGGTTGTTGGGCGTCCGGCGGCTGGCGGCGTTCTGGGGGTTGGTG-3'
Protein context (NP_001120694.1, residues 1123-1143): RTPNNPGNPS[Asn1133Lys]PGPPKTPENS

ClinVar aggregate classification (germline): Uncertain significance (1 of 4 stars; one submission).

Submission:

GeneDx
Classification: Uncertain significance. Last evaluated: 2022-10-05. Review status: criteria provided, single submitter. Criteria: GeneDx Variant Classification Process June 2021. Collection method: clinical testing. Allele origin: germline. Affected: yes.
Comment: Not observed at significant frequency in large population cohorts (gnomAD); In silico analysis supports that this missense variant does not alter protein structure/function; Has not been previously published as pathogenic or benign to our knowledge